The following is an entry in ClinVar:

ClinVar aggregate classification (germline): Uncertain significance. Review status: criteria provided, multiple submitters, no conflicts (2 of 4 stars). 3 submissions from 3 submitters: Uncertain significance (3). Last evaluated 2022-10-05.

Conditions:
Amelocerebrohypohidrotic syndrome (KTZS). Also called: KOHLSCHUTTER SYNDROME; Kohlschutter's syndrome; EPILEPSY AND YELLOW TEETH; EPILEPSY, DEMENTIA, AND AMELOGENESIS IMPERFECTA. Identifiers: Orphanet 1946, MedGen C0406740, MONDO:0009185, OMIM 226750.

Allele frequency attached by ClinVar (database versions not stated): gnomAD exomes below 0.00001.
gnomAD v4.1: 5 of 1,573,508 alleles (0.00032%); highest among the groups gnomAD compares: Middle Eastern, 0.017%; no homozygotes.

Submissions (3):

Labcorp Genetics (formerly Invitae), Labcorp
Classification: Uncertain significance for Amelocerebrohypohidrotic syndrome. Last evaluated: 2022-10-05. Review status: criteria provided, single submitter. Criteria: Invitae Variant Classification Sherloc (09022015). Collection method: clinical testing. Allele origin: germline.
Comment: This sequence change replaces alanine, which is neutral and non-polar, with valine, which is neutral and non-polar, at codon 156 of the ROGDI protein (p.Ala156Val). This variant is not present in population databases (gnomAD no frequency). This variant has not been reported in the literature in individuals affected with ROGDI-related conditions. ClinVar contains an entry for this variant (Variation ID: 1162785). Algorithms developed to predict the effect of missense changes on protein structure and function are either unavailable or do not agree on the potential impact of this missense change (SIFT: "Deleterious"; PolyPhen-2: "Probably Damaging"; Align-GVGD: "Class C15"). In summary, the available evidence is currently insufficient to determine the role of this variant in disease. Therefore, it has been classified as a Variant of Uncertain Significance.

Blueprint Genetics
Classification: Uncertain significance. Last evaluated: 2019-06-17. Review status: criteria provided, single submitter. Criteria: ACMG Guidelines, 2015. Collection method: clinical testing. Allele origin: germline.

Mayo Clinic Laboratories, Mayo Clinic
Classification: Uncertain significance. Last evaluated: 2019-05-20. Review status: criteria provided, single submitter. Criteria: ACMG Guidelines, 2015. Collection method: clinical testing. Allele origin: germline. Observed: 1 variant allele.

NM_024589.3(ROGDI):c.467C>T (p.Ala156Val)

Gene: ROGDI (rogdi atypical leucine zipper; minus strand). Cytogenetic location: 16p13.3.
Variant type: single nucleotide variant.
Coding change: c.467C>T on transcript NM_024589.3 (MANE Select); coding-DNA position 467, C replaced by T.
Protein change: p.Ala156Val; replaces alanine 156 with valine.
Molecular consequence: missense variant. On other transcripts: non-coding transcript variant (1).
Genome position (GRCh38, 1-based): chr16:4,798,633, G>A on the plus strand (C>T on the coding strand, the complement: ROGDI is on the minus strand). VCF-style: chr16-4798633-G-A. GRCh37 (hg19) VCF-style: chr16-4848634-G-A.
Other names: short protein forms A156V.
Identifiers: ClinVar variation 1162785 (VCV001162785.7), dbSNP rs2141907538, ClinGen allele CA394651681.